The following is an entry in ClinVar:

NM_001039141.3(TRIOBP):c.3274T>A (p.Ser1092Thr)

Gene: TRIOBP (TRIO and F-actin binding protein; plus strand). Cytogenetic location: 22q13.1.
Variant type: single nucleotide variant.
Coding change: c.3274T>A on transcript NM_001039141.3 (MANE Select); coding-DNA position 3274, T replaced by A.
Protein change: p.Ser1092Thr; replaces serine 1092 with threonine.
Molecular consequence: missense variant.
Genome position (GRCh38, 1-based): chr22:37,725,830, T>A. VCF-style: chr22-37725830-T-A. GRCh37 (hg19) VCF-style: chr22-38121837-T-A.
Other names: short protein forms S1092T.
Identifiers: ClinVar variation 3903175 (VCV003903175.1).
Genomic context (GRCh38, chr22:37,725,830, plus strand): 5'-CGGGCGTCCTCGCCCCCCCGCCACACCCAATTTGACCCCTTCCCCTTCCTCCCAGACACA[T>A]CAGATGCCGAGCATCAGTGTCAGTCCCCCCAACACGAGCCCCTTCAGCTCCCTGCACCTG-3'
Protein context (NP_001034230.1, residues 1082-1102): FDPFPFLPDT[Ser1092Thr]DAEHQCQSPQ

ClinVar aggregate classification (germline): Uncertain significance (1 of 4 stars; one submission).

gnomAD v4.1: 5 of 1,400,908 alleles (0.00036%); highest among the groups gnomAD compares: Non-Finnish European, 0.00047%; no homozygotes.

Submission:

GeneDx
Classification: Uncertain significance. Last evaluated: 2024-12-10. Review status: criteria provided, single submitter. Criteria: GeneDx Variant Classification Process June 2021. Collection method: clinical testing. Allele origin: germline. Affected: yes.
Comment: Not observed at significant frequency in large population cohorts (gnomAD); In silico analysis indicates that this missense variant does not alter protein structure/function; Has not been previously published as pathogenic or benign to our knowledge